The following is an entry in ClinVar:

ClinVar aggregate classification (germline): Conflicting classifications of pathogenicity. Review status: criteria provided, conflicting classifications (1 of 4 stars). 8 submissions from 8 submitters: Uncertain significance (2); Benign (1); Likely benign (3). 2 of the submissions do not count toward it. Last evaluated 2026-02-04.

Conditions:
Inborn genetic diseases. Identifiers: MedGen C0950123, MeSH D030342.
Progressive sclerosing poliodystrophy (MTDPS4A). Also called: Mitochondrial DNA depletion syndrome 4A (Alpers type); Alpers-Huttenlocher Syndrome (AHS); Mitochondrial DNA Depletion Syndrome 4A; Alpers Syndrome; ALPERS PROGRESSIVE INFANTILE POLIODYSTROPHY; ALPERS DIFFUSE DEGENERATION OF CEREBRAL GRAY MATTER WITH HEPATIC CIRRHOSIS. Identifiers: Orphanet 726, MedGen C0205710, MONDO:0008758, OMIM 203700.

Submissions (8):

Labcorp Genetics (formerly Invitae), Labcorp
Classification: Likely benign for Progressive sclerosing poliodystrophy. Last evaluated: 2026-02-04. Review status: criteria provided, single submitter. Criteria: Invitae Variant Classification Sherloc (09022015). Collection method: clinical testing. Allele origin: germline.

Athena Diagnostics
Classification: Uncertain significance. Last evaluated: 2025-07-18. Review status: criteria provided, single submitter. Criteria: Athena Diagnostics Criteria. Collection method: clinical testing. Allele origin: unknown.
Comment: Available data are insufficient to determine the clinical significance of the variant at this time. The frequency of this variant in the general population is uninformative in assessment of its pathogenicity.

Blueprint Genetics
Classification: Uncertain significance. Last evaluated: 2024-01-16. Review status: criteria provided, single submitter. Criteria: ACMG Guidelines, 2015. Collection method: clinical testing. Allele origin: germline.

Ambry Genetics
Classification: Likely benign for Inborn genetic diseases. Last evaluated: 2019-01-28. Review status: criteria provided, single submitter. Criteria: Ambry Variant Classification Scheme 2023. Collection method: clinical testing. Allele origin: germline.

Eurofins Ntd Llc (ga)
Classification: Likely benign. Last evaluated: 2016-10-06. Review status: criteria provided, single submitter. Criteria: EGL Classification Definitions 2015. Collection method: clinical testing. Allele origin: germline. Observed: 1 variant allele.

GeneDx
Classification: Benign. Last evaluated: 2014-05-02. Review status: criteria provided, single submitter. Criteria: GeneDx Variant Classification (06012015). Collection method: clinical testing. Allele origin: germline. Affected: yes.
Comment: The variant is found in INFANT-EPI,EPILEPSY,MITONUC-MITOP panel(s).

Clinical Genetics DNA and cytogenetics Diagnostics Lab, Erasmus MC, Erasmus Medical Center
Classification: Likely benign. Review status: no assertion criteria provided. Collection method: clinical testing. Allele origin: germline. Affected: yes. Study: VKGL Data-share Consensus. Not counted in ClinVar's aggregate classification.

Diagnostic Laboratory, Department of Genetics, University Medical Center Groningen
Classification: Likely benign. Review status: no assertion criteria provided. Collection method: clinical testing. Allele origin: germline. Affected: yes. Study: VKGL Data-share Consensus. Not counted in ClinVar's aggregate classification.

Literature cited by the submitters: PubMed 20826197 (cited by Athena Diagnostics).

NM_002693.3(POLG):c.126GCA[6] (p.Gln51_Gln55del)

Genes: POLG (DNA polymerase gamma, catalytic subunit; minus strand), POLGARF (POLG alternative reading frame; minus strand). Cytogenetic location: 15q26.1.
Variant type: Microsatellite.
Coding change: c.126GCA[6] on transcript NM_002693.3 (MANE Select); six copies in a row of the 3-base unit GCA starting at c.126; the reference has 11 copies in a row; five copies, 15 bases deleted.
Protein change: p.Gln51_Gln55del.
Molecular consequence: inframe deletion.
Genome position (GRCh38, 1-based): chr15:89,333,597-89,333,611, TGCTGCTGCTGCTGC deleted on the plus strand (GCAGCAGCAGCAGCA on the coding strand, the reverse complement: POLG is on the minus strand); deleting any 15 consecutive bases within chr15:89,333,597-89,333,629 gives the same sequence; the position shown is the placement nearest the transcript's 3' end. VCF-style (leftmost placement, unchanged base first): chr15-89333596-TTGCTGCTGCTGCTGC-T. GRCh37 (hg19) VCF-style: chr15-89876827-TTGCTGCTGCTGCTGC-T.
Other names: c.144_158delGCAGCAGCAGCAGCA (NM_002693.2); c.126GCA[6], p.Gln51_Gln55del (NM_001126131.2).
Identifiers: ClinVar variation 206479 (VCV000206479.22), dbSNP rs41550117, ClinGen allele CA316612.